The following is an entry in ClinVar:

ClinVar aggregate classification (germline): Benign/Likely benign. Review status: criteria provided, multiple submitters, no conflicts (2 of 4 stars). 4 submissions from 4 submitters: Benign (1); Likely benign (3). Last evaluated 2026-01-28.

Allele frequency attached by ClinVar (database versions not stated): gnomAD 0.00039 and 0.00062; gnomAD exomes 0.00057 and 0.00151; TOPMed 0.00071; ExAC 0.00165; 1000 Genomes Project 30x 0.00437; 1000 Genomes Project 0.00479.
gnomAD v4.1: 915 of 1,607,962 alleles (0.057%); highest among the groups gnomAD compares: East Asian, 2%; 8 homozygotes.

Submissions (4):

Labcorp Genetics (formerly Invitae), Labcorp
Classification: Benign. Last evaluated: 2026-01-28. Review status: criteria provided, single submitter. Criteria: Invitae Variant Classification Sherloc (09022015). Collection method: clinical testing. Allele origin: germline.

Blueprint Genetics
Classification: Likely benign. Last evaluated: 2024-10-25. Review status: criteria provided, single submitter. Criteria: ACMG Guidelines, 2015. Collection method: clinical testing. Allele origin: germline.

Women's Health and Genetics/Laboratory Corporation of America, LabCorp
Classification: Likely benign. Last evaluated: 2023-08-15. Review status: criteria provided, single submitter. Criteria: LabCorp Variant Classification Summary - May 2015. Collection method: clinical testing. Allele origin: germline.

GeneDx
Classification: Likely benign. Last evaluated: 2017-10-26. Review status: criteria provided, single submitter. Criteria: GeneDx Variant Classification (06012015). Collection method: clinical testing. Allele origin: germline. Affected: yes.
Comment: This variant is considered likely benign or benign based on one or more of the following criteria: it is a conservative change, it occurs at a poorly conserved position in the protein, it is predicted to be benign by multiple in silico algorithms, and/or has population frequency not consistent with disease.

NM_020778.5(ALPK3):c.3966-14T>C

Gene: ALPK3 (alpha kinase 3; plus strand). Cytogenetic location: 15q25.3.
Variant type: single nucleotide variant.
Coding change: c.3966-14T>C on transcript NM_020778.5 (MANE Select); 14 bases into the intron before coding-DNA position 3966, T replaced by C.
Molecular consequence: intron variant.
Genome position (GRCh38, 1-based): chr15:84,859,762, T>C. VCF-style: chr15-84859762-T-C. GRCh37 (hg19) VCF-style: chr15-85402993-T-C.
Identifiers: ClinVar variation 506500 (VCV000506500.10), dbSNP rs145646854, ClinGen allele CA7709794.
Genomic context (GRCh38, chr15:84,859,762, plus strand): 5'-GGGGTCCAAGGACGCTTAGGACCACAGTCTGCCCCCATGCCATGGCCCTCACGAGTAGGG[T>C]CTCCACTCTGCAGCGCAGGGGATGAGGGGCCGGCGGCCTTGGCCATCGTGCAGGCCTCCC-3'